The following is an entry in ClinVar:

NM_001378974.1(FBXW11):c.188C>T (p.Pro63Leu)

Gene: FBXW11 (F-box and WD repeat domain containing 11; minus strand). Cytogenetic location: 5q35.1.
Variant type: single nucleotide variant.
Coding change: c.188C>T on transcript NM_001378974.1 (MANE Select); coding-DNA position 188, C replaced by T.
Protein change: p.Pro63Leu; replaces proline 63 with leucine.
Molecular consequence: missense variant. On other transcripts: intron variant (5).
Genome position (GRCh38, 1-based): chr5:171,914,365, G>A on the plus strand (C>T on the coding strand, the complement: FBXW11 is on the minus strand). VCF-style: chr5-171914365-G-A. GRCh37 (hg19) VCF-style: chr5-171341369-G-A.
Other names: c.92C>T, p.Pro31Leu (NM_001378976.1); c.29C>T, p.Pro10Leu (NM_001378977.1, NM_001378978.1); c.86C>T, p.Pro29Leu (NM_033644.3); c.46-3568C>T (NM_001378980.1, NM_033645.3); c.148-3568C>T (NM_001378975.1, NM_012300.3); c.52-3568C>T (NM_001378979.1); short protein forms P10L, P29L, P31L, P63L.
Identifiers: ClinVar variation 3048256 (VCV003048256.2), dbSNP rs756313939, ClinGen allele CA3559464.

ClinVar aggregate classification (germline): Uncertain significance (0 of 4 stars; one submission).

Conditions:
FBXW11-related disorder. Also called: FBXW11-related condition.

Allele frequency attached by ClinVar (database versions not stated): ExAC 0.00001; gnomAD 0.00001; gnomAD exomes 0.00001; TOPMed 0.00001.
gnomAD v4.1: 8 of 1,605,658 alleles (0.0005%); highest among the groups gnomAD compares: Non-Finnish European, 0.00068%; no homozygotes.

Submission:

PreventionGenetics, part of Exact Sciences
Classification: Uncertain significance for FBXW11-related condition. Last evaluated: 2024-01-05. Review status: no assertion criteria provided. Collection method: clinical testing. Allele origin: germline.
Comment: The FBXW11 c.86C>T variant is predicted to result in the amino acid substitution p.Pro29Leu. To our knowledge, this variant has not been reported in the literature. This variant is reported in 0.00092% of alleles in individuals of European (Non-Finnish) descent in gnomAD. At this time, the clinical significance of this variant is uncertain due to the absence of conclusive functional and genetic evidence.